The following is an entry in ClinVar:

ClinVar aggregate classification (germline): Uncertain significance. Review status: criteria provided, multiple submitters, no conflicts (2 of 4 stars). 2 submissions from 2 submitters: Uncertain significance (2). Last evaluated 2022-07-18.

Conditions:
Severe combined immunodeficiency due to LCK deficiency. Also called: Immunodeficiency 22. Identifiers: Orphanet 280142, MedGen C4014233, MONDO:0014334, OMIM 615758.

Allele frequency attached by ClinVar (database versions not stated): gnomAD exomes 0.00001; ExAC 0.00002; gnomAD 0.00003 and 0.00004; TOPMed 0.00003.
gnomAD v4.1: 16 of 1,614,098 alleles (0.00099%); highest among the groups gnomAD compares: African/African-American, 0.0013%; no homozygotes.

Submissions (2):

Blueprint Genetics
Classification: Uncertain significance. Last evaluated: 2022-07-18. Review status: criteria provided, single submitter. Criteria: ACMG Guidelines, 2015. Collection method: clinical testing. Allele origin: germline.

Labcorp Genetics (formerly Invitae), Labcorp
Classification: Uncertain significance for Severe combined immunodeficiency due to LCK deficiency. Last evaluated: 2021-08-24. Review status: criteria provided, single submitter. Criteria: Invitae Variant Classification Sherloc (09022015). Collection method: clinical testing. Allele origin: germline.
Comment: This sequence change replaces arginine with histidine at codon 461 of the LCK protein (p.Arg461His). The arginine residue is highly conserved and there is a small physicochemical difference between arginine and histidine. This variant is present in population databases (rs763148386, ExAC 0.003%). This variant has not been reported in the literature in individuals affected with LCK-related conditions. Algorithms developed to predict the effect of missense changes on protein structure and function are either unavailable or do not agree on the potential impact of this missense change (SIFT: "Deleterious"; PolyPhen-2: "Benign"; Align-GVGD: "Class C0"). In summary, the available evidence is currently insufficient to determine the role of this variant in disease. Therefore, it has been classified as a Variant of Uncertain Significance.

NM_005356.5(LCK):c.1382G>A (p.Arg461His)

Gene: LCK (LCK proto-oncogene, Src family tyrosine kinase; plus strand). Cytogenetic location: 1p35.2.
Variant type: single nucleotide variant.
Coding change: c.1382G>A on transcript NM_005356.5 (MANE Select); coding-DNA position 1382, G replaced by A.
Protein change: p.Arg461His; replaces arginine 461 with histidine.
Molecular consequence: missense variant.
Genome position (GRCh38, 1-based): chr1:32,285,568, G>A. VCF-style: chr1-32285568-G-A. GRCh37 (hg19) VCF-style: chr1-32751169-G-A.
Other names: c.1382G>A, p.Arg461His (NM_001042771.3); c.1229G>A, p.Arg410His (NM_001330468.2); short protein forms R410H, R461H.
Identifiers: ClinVar variation 665523 (VCV000665523.7), dbSNP rs763148386, ClinGen allele CA741368.